The following is an entry in ClinVar:

ClinVar aggregate classification (germline): Uncertain significance. Review status: criteria provided, multiple submitters, no conflicts (2 of 4 stars). 3 submissions from 3 submitters: Uncertain significance (3). Last evaluated 2025-05-19.

Conditions:
Wilms tumor 1 (WT1). Also called: Wilms tumor, somatic. Identifiers: Orphanet 654, MedGen CN033288, MONDO:0008679, OMIM 194070.
11p partial monosomy syndrome (WAGR). Also called: WAGR Spectrum Disorder; CHROMOSOME 11p13 DELETION SYNDROME; WAGR syndrome; WAGR Complex. Identifiers: Orphanet 893, MedGen C0206115, MONDO:0008681, OMIM 194072.
Drash syndrome (DDS). Also called: WILMS TUMOR AND PSEUDO- OR TRUE HERMAPHRODITISM; NEPHROPATHY, WILMS TUMOR, AND GENITAL ANOMALIES. Identifiers: Orphanet 220, MedGen C0950121, MONDO:0008682, OMIM 194080.
Frasier syndrome. Identifiers: Orphanet 347, MedGen C0950122, MeSH D052159, MONDO:0007635, OMIM 136680.
Nephrotic syndrome, type 4 (NPHS4). Also called: Familial mesangial sclerosis; Nephrotic syndrome, early onset with diffuse mesangial sclerosis. Identifiers: Orphanet 656, MedGen C3151568, MONDO:0009733, OMIM 256370.
Meacham syndrome. Also called: Meacham Winn Culler syndrome. Identifiers: Orphanet 3097, MedGen C1837026, MONDO:0012164, OMIM 608978.
Mesothelioma, malignant (MESOM). Also called: Malignant mesothelioma (disease). Identifiers: Orphanet 50251, MedGen C0345967, MONDO:0006292, OMIM 156240, HP:0100001.
Inborn genetic diseases. Identifiers: MedGen C0950123, MeSH D030342.

Submissions (3):

Ambry Genetics
Classification: Uncertain significance for Inborn genetic diseases. Last evaluated: 2025-05-19. Review status: criteria provided, single submitter. Criteria: Ambry Variant Classification Scheme 2023. Collection method: clinical testing. Allele origin: germline.
Comment: The p.P390L variant (also known as c.1169C>T), located in coding exon 7 of the WT1 gene, results from a C to T substitution at nucleotide position 1169. The proline at codon 390 is replaced by leucine, an amino acid with similar properties. This amino acid position is conserved. In addition, this alteration is predicted to be deleterious by in silico analysis. Based on the available evidence, the clinical significance of this variant remains unclear.

Labcorp Genetics (formerly Invitae), Labcorp
Classification: Uncertain significance for Wilms tumor 1; Drash syndrome; 11p partial monosomy syndrome; Frasier syndrome. Last evaluated: 2024-04-22. Review status: criteria provided, single submitter. Criteria: Invitae Variant Classification Sherloc (09022015). Collection method: clinical testing. Allele origin: germline.
Comment: This sequence change replaces proline, which is neutral and non-polar, with leucine, which is neutral and non-polar, at codon 390 of the WT1 protein (p.Pro390Leu). This variant is not present in population databases (gnomAD no frequency). This variant has not been reported in the literature in individuals affected with WT1-related conditions. ClinVar contains an entry for this variant (Variation ID: 963633). Advanced modeling of protein sequence and biophysical properties (such as structural, functional, and spatial information, amino acid conservation, physicochemical variation, residue mobility, and thermodynamic stability) performed at Invitae indicates that this missense variant is expected to disrupt WT1 protein function with a positive predictive value of 95%. In summary, the available evidence is currently insufficient to determine the role of this variant in disease. Therefore, it has been classified as a Variant of Uncertain Significance.

Fulgent Genetics
Classification: Uncertain significance for Frasier syndrome; Mesothelioma, malignant; Wilms tumor 1; Drash syndrome; Nephrotic syndrome, type 4; Meacham syndrome. Last evaluated: 2024-04-19. Review status: criteria provided, single submitter. Criteria: ACMG Guidelines, 2015. Collection method: clinical testing. Allele origin: germline.

NM_024426.6(WT1):c.1184C>T (p.Pro395Leu)

Gene: WT1 (WT1 transcription factor; minus strand). Cytogenetic location: 11p13.
Variant type: single nucleotide variant.
Coding change: c.1184C>T on transcript NM_024426.6 (MANE Select); coding-DNA position 1184, C replaced by T.
Protein change: p.Pro395Leu; replaces proline 395 with leucine.
Molecular consequence: missense variant. On other transcripts: 5 prime UTR variant (1), non-coding transcript variant (1).
Genome position (GRCh38, 1-based): chr11:32,396,337, G>A on the plus strand (C>T on the coding strand, the complement: WT1 is on the minus strand). VCF-style: chr11-32396337-G-A. GRCh37 (hg19) VCF-style: chr11-32417883-G-A.
Other names: c.1133C>T, p.Pro378Leu (NM_000378.6, NM_001407045.1, NM_001407048.1 and 1 more transcripts); c.533C>T, p.Pro178Leu (NM_001198551.2); c.482C>T, p.Pro161Leu (NM_001198552.2); c.-5C>T (NM_001367854.1); c.1178C>T, p.Pro393Leu (NM_001407044.1); c.1184C>T, p.Pro395Leu (NM_001407046.1, NM_024424.5); c.1061C>T, p.Pro354Leu (NM_001407047.1); c.1010C>T, p.Pro337Leu (NM_001407050.1); and 2 more; short protein forms P178L, P161L, P378L, P395L, P393L, P141L, P390L, P337L.
Identifiers: ClinVar variation 963633 (VCV000963633.13), dbSNP rs1851969544, ClinGen allele CA379959946.
Genomic context (GRCh38, chr11:32,396,337, plus strand): 5'-ATCTGTAAGTGGGACAGCTTAAAATATCTCTTATTGCAGCCTGGGTAAGCACACATGAAG[G>A]GGCGTTTCTCACTGGTCTCAGATGCCGACCGTACAAGAGTCGGGGCTACTCCAGGCACAC-3'
Protein context (NP_077744.4, residues 385-405): RSASETSEKR[Pro395Leu]FMCAYPGCNK